The following is an entry in ClinVar:

ClinVar aggregate classification (germline): Pathogenic (1 of 4 stars; one submission).

Conditions:
Chromosome 2q32-q33 deletion syndrome (GLASS). Also called: Glass syndrome; 2q33.1 deletion syndrome. Identifiers: Orphanet 251019, MedGen C2676739, MONDO:0012864, OMIM 612313.

Submission:

Institute of Human Genetics, University of Goettingen
Classification: Pathogenic for Chromosome 2q32-q33 deletion syndrome. Last evaluated: 2025-01-09. Review status: criteria provided, single submitter. Criteria: ACMG Guidelines, 2015. Collection method: clinical testing. Allele origin: de novo. Inheritance: Sporadic. Affected: yes. Observed: 1 heterozygote.
Comment: PVS1: Splicing +-2 bp (donor or acceptor) variant, LoF is a know mechanism of disease, Cryptic splice site detected, with MaxEntScore 4.6, offset of 50, new splice context is: actattgtgttctgggccAGcgt. Cryptic site results in frameshift change. If cryptic site found is not functional and variant results in exon loss, it results in frameshift change.

NM_001172509.2(SATB2):c.701-2A>C

Gene: SATB2 (SATB homeobox 2; minus strand). Cytogenetic location: 2q33.1.
Variant type: single nucleotide variant.
Coding change: c.701-2A>C on transcript NM_001172509.2 (MANE Select); the canonical splice acceptor site of the intron before coding-DNA position 701, A replaced by C.
Molecular consequence: splice acceptor variant.
Genome position (GRCh38, 1-based): chr2:199,349,175, T>G on the plus strand (A>C on the coding strand, the complement: SATB2 is on the minus strand). VCF-style: chr2-199349175-T-G. GRCh37 (hg19) VCF-style: chr2-200213898-T-G.
Other names: c.701-2A>C (NM_001172517.1, NM_015265.4).
Identifiers: ClinVar variation 3544391 (VCV003544391.2).